The following is an entry in ClinVar:

ClinVar aggregate classification (germline): Uncertain significance (1 of 4 stars; one submission).

Conditions:
SLC2A9-related disorder. Also called: SLC2A9-related condition.

Submission:

PreventionGenetics, part of Exact Sciences
Classification: Uncertain significance for SLC2A9-related condition. Last evaluated: 2022-09-19. Review status: criteria provided, single submitter. Criteria: ACMG Guidelines, 2015. Collection method: clinical testing. Allele origin: germline.
Comment: The SLC2A9 c.154_155delinsCA variant is predicted to result in an in-frame deletion and insertion. To our knowledge, this variant has not been reported in the literature or in a large population database, indicating this variant is rare. At this time, the clinical significance of this variant is uncertain due to the absence of conclusive functional and genetic evidence.

NM_020041.3(SLC2A9):c.154_155inv (p.Trp52Gln)

Genes: SLC2A9 (solute carrier family 2 member 9; minus strand), LOC124900664 (uncharacterized LOC124900664; plus strand). Cytogenetic location: 4p16.1.
Variant type: Inversion.
Coding change: c.154_155inv on transcript NM_020041.3 (MANE Select).
Protein change: p.Trp52Gln; replaces tryptophan 52 with glutamine.
Molecular consequence: missense variant.
Genome position: GRCh38 VCF-style: chr4-10019069-CA-TG. GRCh37 (hg19) VCF-style: chr4-10020693-CA-TG.
Other names: c.67_68inv, p.Trp23Gln (NM_001001290.2); short protein forms W23Q, W52Q.
Identifiers: ClinVar variation 2628377 (VCV002628377.1), ClinGen allele CA2695199366.